The following is an entry in ClinVar:

ClinVar aggregate classification (germline): Uncertain significance (1 of 4 stars; one submission).

Submission:

Labcorp Genetics (formerly Invitae), Labcorp
Classification: Uncertain significance. Last evaluated: 2021-03-20. Review status: criteria provided, single submitter. Criteria: Invitae Variant Classification Sherloc (09022015). Collection method: clinical testing. Allele origin: germline.
Comment: This sequence change creates a premature translational stop signal (p.Glu60Glyfs*15) in the KPNA7 gene. It is expected to result in an absent or disrupted protein product. However, the current clinical and genetic evidence is not sufficient to establish whether loss-of-function variants in KPNA7 cause disease. In summary, the available evidence is currently insufficient to determine the role of this variant in disease. Therefore, it has been classified as a Variant of Uncertain Significance. This variant has not been reported in the literature in individuals with KPNA7-related conditions. This variant is not present in population databases (ExAC no frequency).

NM_001145715.3(KPNA7):c.178dup (p.Glu60fs)

Gene: KPNA7 (karyopherin subunit alpha 7; minus strand). Cytogenetic location: 7q22.1.
Variant type: Duplication.
Coding change: c.178dup on transcript NM_001145715.3 (MANE Select); coding-DNA position 178, one base duplicated (G; older notation c.178dupG).
Protein change: p.Glu60fs; shifts the reading frame from glutamic acid 60.
Molecular consequence: frameshift variant.
Genome position (GRCh38, 1-based): chr7:99,203,129, C duplicated on the plus strand (G on the coding strand, the reverse complement: KPNA7 is on the minus strand). VCF-style (leftmost placement, unchanged base first): chr7-99203128-T-TC. GRCh37 (hg19) VCF-style: chr7-98800751-T-TC.
Other names: short protein forms E60fs.
Identifiers: ClinVar variation 1351405 (VCV001351405.6), dbSNP rs2150769107, ClinGen allele CA2573142538.